The following is an entry in ClinVar:

ClinVar aggregate classification (germline): Uncertain significance (1 of 4 stars; one submission).

gnomAD v4.1: 5 of 1,613,552 alleles (0.00031%); highest among the groups gnomAD compares: African/African-American, 0.004%; no homozygotes.

Submission:

Labcorp Genetics (formerly Invitae), Labcorp
Classification: Uncertain significance. Last evaluated: 2025-07-13. Review status: criteria provided, single submitter. Criteria: Invitae Variant Classification Sherloc (09022015). Collection method: clinical testing. Allele origin: germline.
Comment: This sequence change replaces glycine, which is neutral and non-polar, with arginine, which is basic and polar, at codon 340 of the TNNI3K protein (p.Gly340Arg). This variant is not present in population databases (gnomAD no frequency). This variant has not been reported in the literature in individuals affected with TNNI3K-related conditions. ClinVar contains an entry for this variant (Variation ID: 3679475). Invitae Evidence Modeling of protein sequence and biophysical properties (such as structural, functional, and spatial information, amino acid conservation, physicochemical variation, residue mobility, and thermodynamic stability) indicates that this missense variant is not expected to disrupt TNNI3K protein function with a negative predictive value of 80%. In summary, the available evidence is currently insufficient to determine the role of this variant in disease. Therefore, it has been classified as a Variant of Uncertain Significance.

NM_015978.3(TNNI3K):c.1018G>A (p.Gly340Arg)

Genes: TNNI3K (TNNI3 interacting kinase; plus strand), FPGT-TNNI3K (FPGT-TNNI3K readthrough; plus strand). Cytogenetic location: 1p31.1.
Variant type: single nucleotide variant.
Coding change: c.1018G>A on transcript NM_015978.3 (MANE Select); coding-DNA position 1018, G replaced by A.
Protein change: p.Gly340Arg; replaces glycine 340 with arginine.
Molecular consequence: missense variant.
Genome position (GRCh38, 1-based): chr1:74,353,351, G>A. VCF-style: chr1-74353351-G-A. GRCh37 (hg19) VCF-style: chr1-74819035-G-A.
Other names: c.1321G>A, p.Gly441Arg (NM_001112808.3, NM_001199327.2); short protein forms G441R, G340R.
Identifiers: ClinVar variation 3679475 (VCV003679475.2).